The following is an entry in ClinVar:

NM_004204.5(PIGQ):c.100G>C (p.Ala34Pro)

Gene: PIGQ (phosphatidylinositol glycan anchor biosynthesis class Q; plus strand). Cytogenetic location: 16p13.3.
Variant type: single nucleotide variant.
Coding change: c.100G>C on transcript NM_004204.5 (MANE Select); coding-DNA position 100, G replaced by C.
Protein change: p.Ala34Pro; replaces alanine 34 with proline.
Molecular consequence: missense variant.
Genome position (GRCh38, 1-based): chr16:574,174, G>C. VCF-style: chr16-574174-G-C. GRCh37 (hg19) VCF-style: chr16-624174-G-C.
Other names: c.100G>C, p.Ala34Pro (NM_148920.4); short protein forms A34P.
Identifiers: ClinVar variation 2051867 (VCV002051867.3), dbSNP rs1219065717, ClinGen allele CA394045577.

ClinVar aggregate classification (germline): Uncertain significance. Review status: criteria provided, multiple submitters, no conflicts (2 of 4 stars). 2 submissions from 2 submitters: Uncertain significance (2). Last evaluated 2026-04-20.

Conditions:
Epilepsy. Also called: Seizure disorder. Identifiers: MedGen C0014544, MeSH D004827, MONDO:0005027.

gnomAD v4.1: 2 of 1,612,520 alleles (0.00012%); highest among the groups gnomAD compares: Non-Finnish European, 0.000085%; no homozygotes.

Submissions (2):

Dasa
Classification: Uncertain significance. Last evaluated: 2026-04-20. Review status: criteria provided, single submitter. Criteria: DASA Assertion Criteria. Collection method: clinical testing. Allele origin: germline.
Comment: NM_004204.5(PIGQ):c.100G>C (p.Ala34Pro) is a missense variant that results in the substitution of alanine with proline. This variant has been observed in affected individuals with PIGQ-related disorders. Also, this variant is rare in population databases. The currently available literature and clinical evidence are not sufficient to establish a definitive association between this variant and the reported condition. Therefore, this variant is classified as a variant of uncertain significance.

Labcorp Genetics (formerly Invitae), Labcorp
Classification: Uncertain significance for Epilepsy. Last evaluated: 2022-08-31. Review status: criteria provided, single submitter. Criteria: Invitae Variant Classification Sherloc (09022015). Collection method: clinical testing. Allele origin: germline.
Comment: This sequence change replaces alanine, which is neutral and non-polar, with proline, which is neutral and non-polar, at codon 34 of the PIGQ protein (p.Ala34Pro). This variant is not present in population databases (gnomAD no frequency). This variant has not been reported in the literature in individuals affected with PIGQ-related conditions. Algorithms developed to predict the effect of missense changes on protein structure and function are either unavailable or do not agree on the potential impact of this missense change (SIFT: "Tolerated"; PolyPhen-2: "Probably Damaging"; Align-GVGD: "Class C0"). In summary, the available evidence is currently insufficient to determine the role of this variant in disease. Therefore, it has been classified as a Variant of Uncertain Significance.